The following is an entry in ClinVar:

NM_206933.4(USH2A):c.10947G>C (p.Gln3649His)

Gene: USH2A (usherin; minus strand). Cytogenetic location: 1q41.
Variant type: single nucleotide variant.
Coding change: c.10947G>C on transcript NM_206933.4 (MANE Select); coding-DNA position 10947, G replaced by C.
Protein change: p.Gln3649His; replaces glutamine 3649 with histidine.
Molecular consequence: missense variant.
Genome position (GRCh38, 1-based): chr1:215,766,781, C>G on the plus strand (G>C on the coding strand, the complement: USH2A is on the minus strand). VCF-style: chr1-215766781-C-G. GRCh37 (hg19) VCF-style: chr1-215940123-C-G.
Other names: short protein forms Q3649H.
Identifiers: ClinVar variation 3907750 (VCV003907750.1).

ClinVar aggregate classification (germline): Uncertain significance (1 of 4 stars; one submission).

Submission:

GeneDx
Classification: Uncertain significance. Last evaluated: 2024-12-26. Review status: criteria provided, single submitter. Criteria: GeneDx Variant Classification Process June 2021. Collection method: clinical testing. Allele origin: germline. Affected: yes.
Comment: Reported in a patient with presumed ocular histoplasmosis syndrome in published literature (PMID: 32707200); detailed patient clinical and segregation information not provided; Not observed at significant frequency in large population cohorts (gnomAD); In silico analysis indicates that this missense variant does not alter protein structure/function; In silico analysis is inconclusive as to whether the variant alters gene splicing; in the absence of RNA/functional studies the actual effect of this sequence change is unknown; This variant is associated with the following publications: (PMID: 32707200)